The following is an entry in ClinVar:

NM_004260.4(RECQL4):c.2800T>G (p.Trp934Gly)

Gene: RECQL4 (RecQ like helicase 4; minus strand). Cytogenetic location: 8q24.3.
Variant type: single nucleotide variant.
Coding change: c.2800T>G on transcript NM_004260.4 (MANE Select); coding-DNA position 2800, T replaced by G.
Protein change: p.Trp934Gly; replaces tryptophan 934 with glycine.
Molecular consequence: missense variant.
Genome position (GRCh38, 1-based): chr8:144,512,727, A>C on the plus strand (T>G on the coding strand, the complement: RECQL4 is on the minus strand). VCF-style: chr8-144512727-A-C. GRCh37 (hg19) VCF-style: chr8-145738110-A-C.
Other names: short protein forms W934G.
Identifiers: ClinVar variation 1019593 (VCV001019593.3), dbSNP rs1827484063, ClinGen allele CA372674386.

ClinVar aggregate classification (germline): Uncertain significance (1 of 4 stars; one submission).

Conditions:
Baller-Gerold syndrome (BGS). Also called: CRANIOSYNOSTOSIS WITH RADIAL DEFECTS. Identifiers: Orphanet 1225, MedGen C0265308, MONDO:0009039, OMIM 218600.

Submission:

Labcorp Genetics (formerly Invitae), Labcorp
Classification: Uncertain significance for Baller-Gerold syndrome. Last evaluated: 2020-02-17. Review status: criteria provided, single submitter. Criteria: Invitae Variant Classification Sherloc (09022015). Collection method: clinical testing. Allele origin: germline.
Comment: This sequence change replaces tryptophan with glycine at codon 934 of the RECQL4 protein (p.Trp934Gly). The tryptophan residue is highly conserved and there is a large physicochemical difference between tryptophan and glycine. This variant is not present in population databases (ExAC no frequency). This variant has not been reported in the literature in individuals with RECQL4-related conditions. Experimental studies and prediction algorithms are not available or were not evaluated, and the functional significance of this variant is currently unknown. In summary, the available evidence is currently insufficient to determine the role of this variant in disease. Therefore, it has been classified as a Variant of Uncertain Significance.